The following is an entry in ClinVar:

ClinVar aggregate classification (germline): Pathogenic/Likely pathogenic. Review status: criteria provided, multiple submitters, no conflicts (2 of 4 stars). 17 submissions from 15 submitters: Pathogenic (16); Likely pathogenic (1). Last evaluated 2026-07-21.
ClinVar aggregate classification (oncogenicity): Uncertain significance (1 of 4 stars; one submission).

Conditions:
PTPN11-related disorder. Also called: PTPN11-Related Disorders.
Cardiovascular phenotype. Identifiers: MedGen CN230736.
Metachondromatosis (METCDS). Identifiers: Orphanet 2499, MedGen C0410530, MONDO:0007979, OMIM 156250.
Noonan syndrome 1 (NS1). Also called: TURNER PHENOTYPE WITH NORMAL KARYOTYPE; PTPN11-Related Noonan Syndrome; FEMALE PSEUDO-TURNER SYNDROME. Identifiers: Orphanet 648, MedGen C4551602, MONDO:0008104, OMIM 163950. Disease mechanism: gain of function.
LEOPARD syndrome 1 (LPRD1). Also called: LENTIGINOSIS, CARDIOMYOPATHIC; MULTIPLE LENTIGINES SYNDROME; PTPN11-Related LEOPARD Syndrome. Identifiers: Orphanet 500, MedGen C4551484, MONDO:0100082, OMIM 151100.
Juvenile myelomonocytic leukemia (JMML). Also called: LEUKEMIA, JUVENILE MYELOMONOCYTIC, SOMATIC. Identifiers: Orphanet 86834, MedGen C0349639, MONDO:0011908, OMIM 607785, HP:0012209.
RASopathy. Also called: rasopathies; Noonan spectrum disorder. Identifiers: Orphanet 536391, MedGen C5555857, MONDO:0021060.
Neoplasm. Also called: tumor; Neoplasms; Neoplasm (disease). Identifiers: MedGen C0027651, MeSH D009369, MONDO:0005070, HP:0002664.

Allele frequency attached by ClinVar (database versions not stated): gnomAD exomes below 0.00001; gnomAD 0.00001.
gnomAD v4.1: 2 of 1,614,032 alleles (0.00012%); highest among the groups gnomAD compares: African/African-American, 0.0013%; no homozygotes.

Submissions 1 to 10 of 18:

Center for Genomic Medicine, Rigshospitalet, Copenhagen University Hospital
Classification: Uncertain significance for Neoplasm. Last evaluated: 2026-10-16. Review status: criteria provided, single submitter. Criteria: ClinGen/CGC/VICC Guidelines for Oncogenicity, 2022. Collection method: clinical testing. Allele origin: somatic. Affected: yes.

Ambry Genetics
Classification: Pathogenic for Cardiovascular phenotype. Last evaluated: 2026-07-21. Review status: criteria provided, single submitter. Criteria: Ambry Variant Classification Scheme 2023. Collection method: clinical testing. Allele origin: germline.
Comment: The c.1508G>A (p.G503E) alteration is located in exon 13 (coding exon 13) of the PTPN11 gene. This alteration results from a G to A substitution at nucleotide position 1508, causing the glycine (G) at amino acid position 503 to be replaced by a glutamic acid (E). for PTPN11-related RASopathy; however, it is unlikely to be causative of Metachondromatosis This variant was not reported in population-based cohorts in the Genome Aggregation Database (gnomAD). This variant was reported in individual(s) with features consistent with PTPN11-related RASopathy; in at least one individual, it was determined to be de novo (Ferrero, 2008; Homsy, 2015; Swarts, 2022). Other variant(s) at the same codon, c.1507G>A, (p.G503R), c.1508G>C, (p.G503A), have been identified in individual(s) with features consistent with PTPN11-related RASopathy (Hof, 1998; Tartaglia, 2006; Jongmans, 2011; Holmfeldt, 2013; Ambry internal data). This amino acid position is highly conserved in available vertebrate species. This alteration is predicted to be deleterious by in silico analysis. Based on the available evidence, this alteration is classified as pathogenic.

PreventionGenetics, part of Exact Sciences
Classification: Pathogenic for PTPN11-related condition. Last evaluated: 2026-06-21. Review status: criteria provided, single submitter. Criteria: ACMG Guidelines, 2015. Collection method: clinical testing. Allele origin: germline.
Comment: The PTPN11 c.1508G>A variant is predicted to result in the amino acid substitution p.Gly503Glu. This variant has been observed in at least one individual with Noonan syndrome (Ferrero et al. 2008. PubMed ID: 18678287) and in a second individual with congenital heart defects, developmental delay, and pituitary dwarfism (Table S2, Homsy et al. 2015. PubMed ID: 26785492). In the latter study, the c.1508G>A variant was determined to be de novo. Additional missense changes at the same amino acid position have been reported in individuals with Noonan syndrome (Ferrero et al. 2008. PubMed ID: 18678287; Jongmans et al. 2011. PubMed ID: 21407260). This variant is listed as pathogenic and likely pathogenic in the ClinVar database (ID: 40561). We classify this variant as pathogenic.

Labcorp Genetics (formerly Invitae), Labcorp
Classification: Pathogenic for RASopathy. Last evaluated: 2026-01-12. Review status: criteria provided, single submitter. Criteria: Invitae Variant Classification Sherloc (09022015). Collection method: clinical testing. Allele origin: germline.
Comment: This sequence change replaces glycine, which is neutral and non-polar, with glutamic acid, which is acidic and polar, at codon 503 of the PTPN11 protein (p.Gly503Glu). This variant is not present in population databases (gnomAD no frequency). This missense change has been observed in individual(s) with Noonan syndrome (PMID: 18678287, 26785492). In at least one individual the variant was observed to be de novo. ClinVar contains an entry for this variant (Variation ID: 40561). Invitae Evidence Modeling of protein sequence and biophysical properties (such as structural, functional, and spatial information, amino acid conservation, physicochemical variation, residue mobility, and thermodynamic stability) indicates that this missense variant is expected to disrupt PTPN11 protein function with a positive predictive value of 95%. This variant disrupts the p.Gly503 amino acid residue in PTPN11. Other variant(s) that disrupt this residue have been determined to be pathogenic (PMID: 12960218, 16358218, 18758896, 19077116, 19737548, 24754368). This suggests that this residue is clinically significant, and that variants that disrupt this residue are likely to be disease-causing. For these reasons, this variant has been classified as Pathogenic.

CeGaT Center for Human Genetics Tuebingen
Classification: Pathogenic. Last evaluated: 2025-10-01. Review status: criteria provided, single submitter. Criteria: CeGaT Center For Human Genetics Tuebingen Variant Classification Criteria Version 2. Collection method: clinical testing. Allele origin: germline. Affected: yes. Observed: 1 variant allele.
Comment: PTPN11: PS2, PM2, PM5, PS4:Moderate, PP2, PP3

Victorian Clinical Genetics Services, Murdoch Childrens Research Institute
Classification: Pathogenic for Noonan syndrome 1. Last evaluated: 2025-06-23. Review status: criteria provided, single submitter. Criteria: ACMG Guidelines, 2015. Collection method: clinical testing. Allele origin: germline. Affected: yes.
Comment: This variant is classified as Pathogenic. Evidence in support of pathogenic classification: Variant is present in gnomAD (v3) <0.001 for a dominant condition (1 heterozygote, 0 homozygotes); This variant has strong previous evidence of pathogenicity in unrelated individuals. This variant has been classified as pathogenic by multiple clinical laboratories in ClinVar, and has been reported in the literature in individuals with Noonan syndrome or a phenotype overlapping with Noonan (PMIDs: 18678287, 26785492); Other missense variants comparable to the one identified in this case have very strong previous evidence for pathogenicity. p.(Gly503Ala), p.(Gly503Arg) and p.(Gly503Trp)have been classified as pathogenic/likely pathogenic by clinical laboratories in ClinVar; Variant is located in a hotspot region or cluster of pathogenic variants (DECIPHER); Missense variant consistently predicted to be damaging by multiple in silico tools or highly conserved with a major amino acid change; Additional information: Variant is predicted to result in a missense amino acid change from glycine to glutamic acid; This variant is heterozygous; This gene is associated with autosomal dominant disease; An alternative amino acid change at the same position has been observed in gnomAD (v2) (1 heterozygote, 0 homozygotes); Both loss of function and gain of function are known mechanisms of disease for this gene. Metachondromatosis (MIM#156250) and Noonan syndrome with multiple lentigines (MIM#151100) have been associated with loss of function variants, whereas Noonan syndrome 1 (MIM#163950) is caused by gain of function variants (PMIDs: 11992261, 24935154, 21533187; ClinGen expert panel); Variants in this gene are known to have variable expressivity. Noonan syndrome is known to have variable expressivity (PMID: 20301303).

Center of Human Genetics, Hôpital Erasme
Classification: Pathogenic for Noonan syndrome 1. Last evaluated: 2025-01-01. Review status: criteria provided, single submitter. Criteria: ACMG Guidelines, 2015. Collection method: clinical testing. Allele origin: de novo. Affected: yes.

3billion
Classification: Pathogenic for Noonan syndrome 1. Last evaluated: 2024-07-31. Review status: criteria provided, single submitter. Criteria: ACMG Guidelines, 2015. Collection method: clinical testing. Allele origin: germline. Affected: yes.
Comment: The variant is observed at an extremely low frequency in the gnomAD v4.0.0 dataset (total allele frequency: <0.001%). Predicted Consequence/Location: Missense changes are a common disease-causing mechanism. In silico tool predictions suggest damaging effect of the variant on gene or gene product [REVEL: 0.98 (>=0.6, sensitivity 0.68 and specificity 0.92); 3Cnet: 0.99 (>=0.6, sensitivity 0.72 and precision 0.9)]. The same nucleotide change resulting in the same amino acid change has been previously reported as pathogenic/likely pathogenic with strong evidence (ClinVar ID: VCV000040561 /PMID: 18678287).Different missense changes at the same codon (p.Gly503Ala, p.Gly503Arg, p.Gly503Val) have been reported as pathogenic/likely pathogenic with strong evidence (ClinVar ID: VCV000040558, VCV000040559, VCV000040560, VCV000162464, VCV000571101 /PMID: 12960218, 16358218, 21407260, 23756559). Therefore, this variant is classified as Pathogenic according to the recommendation of ACMG/AMP guideline.

Baylor Genetics
Classification: Pathogenic for Noonan syndrome 1. Last evaluated: 2023-09-14. Review status: criteria provided, single submitter. Criteria: ACMG Guidelines, 2015. Collection method: clinical testing. Allele origin: unknown.

Baylor Genetics
Classification: Pathogenic for LEOPARD syndrome 1. Last evaluated: 2023-09-14. Review status: criteria provided, single submitter. Criteria: ACMG Guidelines, 2015. Collection method: clinical testing. Allele origin: unknown.

NM_002834.5(PTPN11):c.1508G>A (p.Gly503Glu)

Gene: PTPN11 (protein tyrosine phosphatase non-receptor type 11; plus strand). Cytogenetic location: 12q24.13.
Variant type: single nucleotide variant.
Coding change: c.1508G>A on transcript NM_002834.5 (MANE Select); coding-DNA position 1508, G replaced by A.
Protein change: p.Gly503Glu; replaces glycine 503 with glutamic acid.
Molecular consequence: missense variant.
Genome position (GRCh38, 1-based): chr12:112,489,084, G>A. VCF-style: chr12-112489084-G-A. GRCh37 (hg19) VCF-style: chr12-112926888-G-A.
Other names: p.G503E:GGG>GAG; c.1520G>A, p.Gly507Glu (NM_001330437.2); c.1505G>A, p.Gly502Glu (NM_001374625.1); c.1508G>A (NM_002834.4); short protein forms G503E, G507E, G502E.
Identifiers: ClinVar variation 40561 (VCV000040561.38), dbSNP rs397507546, ClinGen allele CA282132.